The following is an entry in ClinVar:

NM_000548.5(TSC2):c.1318G>A (p.Gly440Ser)

Gene: TSC2 (TSC complex subunit 2; plus strand). Cytogenetic location: 16p13.3.
Variant type: single nucleotide variant.
Coding change: c.1318G>A on transcript NM_000548.5 (MANE Select); coding-DNA position 1318, G replaced by A.
Protein change: p.Gly440Ser; replaces glycine 440 with serine.
Molecular consequence: missense variant.
Genome position (GRCh38, 1-based): chr16:2,062,557, G>A. VCF-style: chr16-2062557-G-A. GRCh37 (hg19) VCF-style: chr16-2112558-G-A.
Other names: p.G440S:GGC>AGC; c.1318G>A, p.Gly440Ser (NM_001077183.3, NM_001114382.3, NM_001363528.2 and 3 more transcripts); c.1207G>A, p.Gly403Ser (NM_001318827.2); c.1171G>A, p.Gly391Ser (NM_001318829.2); c.718G>A, p.Gly240Ser (NM_001318831.2); c.1351G>A, p.Gly451Ser (NM_001318832.2); c.1318G>A (NM_000548.4); short protein forms G440S, G391S, G403S, G240S, G451S.
Identifiers: ClinVar variation 41726 (VCV000041726.86), dbSNP rs45484298, ClinGen allele CA014394.

ClinVar aggregate classification (germline): Conflicting classifications of pathogenicity. Review status: criteria provided, conflicting classifications (1 of 4 stars). 30 submissions from 30 submitters: Uncertain significance (1); Benign (5); Likely benign (13). 11 of the submissions do not count toward it. Last evaluated 2026-06-01.

Conditions:
TSC2-related disorder. Also called: TSC2-Related Disorders; TSC2-related condition.
Isolated focal cortical dysplasia type II (FCORD2). Also called: Focal cortical dysplasia type II; CORTICAL DYSPLASIA OF TAYLOR. Identifiers: Orphanet 268994, MedGen C1846385, MONDO:0011818, OMIM 607341, HP:0032051.
Lymphangiomyomatosis (LAM). Also called: Lymphangioleiomyomatosis; Lymphangioleiomyomatosis, somatic. Identifiers: Orphanet 538, MedGen C0751674, MONDO:0011705, OMIM 606690.
Tuberous sclerosis 2 (TSC2). Identifiers: Orphanet 805, MedGen C1860707, MONDO:0013199, OMIM 613254.
Hereditary cancer-predisposing syndrome. Also called: Tumor predisposition; Neoplastic Syndromes, Hereditary; Hereditary Cancer Syndrome; Hereditary neoplastic syndrome. Identifiers: Orphanet 140162, MedGen C0027672, MeSH D009386, MONDO:0015356.
Tuberous sclerosis syndrome (TSC). Also called: Tuberous Sclerosis Complex; Tuberous sclerosis. Identifiers: Orphanet 805, MedGen C0041341, MONDO:0001734.
Hirschsprung disease, susceptibility to, 1 (HSCR1). Also called: RET-Related Hirschsprung Disease. Identifiers: Orphanet 388, MedGen C3888239, MONDO:0007723, OMIM 142623.

Allele frequency attached by ClinVar (database versions not stated): gnomAD 0.00111; ESP Exome Variant Server 0.00115; 1000 Genomes Project 0.00040; 1000 Genomes Project 30x 0.00047; gnomAD exomes 0.00069; ExAC 0.00077; TOPMed 0.00100.
gnomAD v4.1: 1,799 of 1,612,336 alleles (0.11%); highest among the groups gnomAD compares: Admixed American, 0.16%; 2 homozygotes.

Submissions (30):

CeGaT Center for Human Genetics Tuebingen
Classification: Likely benign. Last evaluated: 2026-06-01. Review status: criteria provided, single submitter. Criteria: CeGaT Center For Human Genetics Tuebingen Variant Classification Criteria Version 2. Collection method: clinical testing. Allele origin: germline. Affected: yes. Observed: 15 variant alleles.
Comment: TSC2: BS1

Dasa
Classification: Benign for Tuberous sclerosis 2. Last evaluated: 2026-04-15. Review status: criteria provided, single submitter. Criteria: DASA Assertion Criteria. Collection method: clinical testing. Allele origin: germline.
Comment: NM_000548.5(TSC2):c.1318G>A (p.Gly440Ser) is a missense variant that results in the substitution of glycine with serine. Population frequency is inconsistent with a disease-causing role for this variant, and observations in unaffected individuals support a benign interpretation. Therefore, based on the currently available evidence, this variant is classified as benign.

Labcorp Genetics (formerly Invitae), Labcorp
Classification: Benign for Tuberous sclerosis 2. Last evaluated: 2026-02-04. Review status: criteria provided, single submitter. Criteria: Invitae Variant Classification Sherloc (09022015). Collection method: clinical testing. Allele origin: germline.

Quest Diagnostics Nichols Institute San Juan Capistrano
Classification: Benign. Last evaluated: 2025-05-12. Review status: criteria provided, single submitter. Criteria: Quest Diagnostics criteria. Collection method: clinical testing. Allele origin: unknown.

Blueprint Genetics
Classification: Likely benign. Last evaluated: 2024-10-28. Review status: criteria provided, single submitter. Criteria: ACMG Guidelines, 2015. Collection method: clinical testing. Allele origin: germline.

Women's Health and Genetics/Laboratory Corporation of America, LabCorp
Classification: Likely benign. Last evaluated: 2024-06-22. Review status: criteria provided, single submitter. Criteria: LabCorp Variant Classification Summary - May 2015. Collection method: clinical testing. Allele origin: germline.

Myriad Genetics, Inc.
Classification: Benign for Tuberous sclerosis 2. Last evaluated: 2023-10-09. Review status: criteria provided, single submitter. Criteria: Myriad Autosomal Dominant, Autosomal Recessive and X-Linked Classification Criteria (2023). Collection method: clinical testing. Allele origin: unknown.
Comment: This variant is considered benign. This variant has been observed at a population frequency that is significantly greater than expected given the associated disease prevalence and penetrance. Homozygosity has been confirmed in one or more individuals. As homozygosity for pathogenic variants in this gene is generally assumed to result in embryonic lethality, this variant is unlikely to be pathogenic.

ARUP Laboratories, Molecular Genetics and Genomics, ARUP Laboratories
Classification: Likely benign. Last evaluated: 2023-08-24. Review status: criteria provided, single submitter. Criteria: ARUP Molecular Germline Variant Investigation Process 2024. Collection method: clinical testing. Allele origin: germline.

Department of Pathology and Laboratory Medicine, Sinai Health System
Classification: Likely benign for Lymphangiomyomatosis; Isolated focal cortical dysplasia type II; Tuberous sclerosis 2. Last evaluated: 2023-07-12. Review status: criteria provided, single submitter. Criteria: ACMG Guidelines, 2015. Collection method: clinical testing. Allele origin: germline. Affected: yes.

Color Diagnostics, LLC DBA Color Health
Classification: Benign for Tuberous sclerosis syndrome. Last evaluated: 2022-08-18. Review status: criteria provided, single submitter. Criteria: ACMG Guidelines, 2015. Collection method: clinical testing. Allele origin: germline.

Genome-Nilou Lab
Classification: Likely benign for Tuberous sclerosis 2. Last evaluated: 2021-11-07. Review status: criteria provided, single submitter. Criteria: ACMG Guidelines, 2015. Collection method: clinical testing. Allele origin: germline. Affected: no.

GeneDx
Classification: Likely benign. Last evaluated: 2021-07-01. Review status: criteria provided, single submitter. Criteria: GeneDx Variant Classification Process June 2021. Collection method: clinical testing. Allele origin: germline. Affected: yes.
Comment: This variant is associated with the following publications: (PMID: 15798777, 10205261, 17304050, 24728327, 22703879)

Ambry Genetics
Classification: Likely benign for Hereditary cancer-predisposing syndrome. Last evaluated: 2021-06-03. Review status: criteria provided, single submitter. Criteria: Ambry Variant Classification Scheme 2023. Collection method: clinical testing. Allele origin: germline.

Sema4
Classification: Likely benign for Hereditary cancer-predisposing syndrome. Last evaluated: 2021-04-21. Review status: criteria provided, single submitter. Criteria: Sema4 Curation Guidelines. Collection method: curation. Allele origin: germline.

Illumina Laboratory Services, Illumina
Classification: Likely benign for Tuberous sclerosis syndrome. Last evaluated: 2018-01-12. Review status: criteria provided, single submitter. Criteria: ICSL Variant Classification Criteria 13 December 2019. Collection method: clinical testing. Allele origin: germline.
Comment: This variant was observed in the ICSL laboratory as part of a predisposition screen in an ostensibly healthy population. It had not been previously curated by ICSL or reported in the Human Gene Mutation Database (HGMD: prior to June 1st, 2018), and was therefore a candidate for classification through an automated scoring system. Utilizing variant allele frequency, disease prevalence and penetrance estimates, and inheritance mode, an automated score was calculated to assess if this variant is too frequent to cause the disease. Based on the score and internal cut-off values, a variant classified as likely benign is not then subjected to further curation. The score for this variant resulted in a classification of likely benign for this disease.

Center for Pediatric Genomic Medicine, Children's Mercy Hospital and Clinics
Classification: Likely benign. Last evaluated: 2017-06-20. Review status: criteria provided, single submitter. Criteria: ACMG Guidelines, 2015. Collection method: clinical testing. Allele origin: germline.

Eurofins Ntd Llc (ga)
Classification: Likely benign. Last evaluated: 2016-03-24. Review status: criteria provided, single submitter. Criteria: EGL Classification Definitions 2015. Collection method: clinical testing. Allele origin: germline. Observed: 1 variant allele, 1 heterozygote.

Knight Diagnostic Laboratories, Oregon Health and Sciences University
Classification: Uncertain significance for Tuberous sclerosis 2. Last evaluated: 2016-01-27. Review status: criteria provided, single submitter. Criteria: ACMG Guidelines, 2015. Collection method: clinical testing. Allele origin: germline. Affected: no. Study: CSER-NextGen.

Genetic Services Laboratory, University of Chicago
Classification: Likely benign. Last evaluated: 2014-12-15. Review status: criteria provided, single submitter. Criteria: ACMG Guidelines, 2015. Collection method: clinical testing. Allele origin: germline.

PreventionGenetics, part of Exact Sciences
Classification: Benign for TSC2-related condition. Last evaluated: 2020-12-01. Review status: no assertion criteria provided. Collection method: clinical testing. Allele origin: germline. Not counted in ClinVar's aggregate classification.
Comment: This variant is classified as benign based on ACMG/AMP sequence variant interpretation guidelines (Richards et al. 2015 PMID: 25741868, with internal and published modifications).

ITMI
No classification provided. Condition: AllHighlyPenetrant. Last evaluated: 2013-09-19. Review status: no classification provided. Collection method: reference population. Allele origin: germline. Not counted in ClinVar's aggregate classification.
Comment: Please see associated publication for description of ethnicities

Biesecker Lab/Clinical Genomics Section, National Institutes of Health
Classification: Likely benign. Last evaluated: 2012-07-13. Review status: no assertion criteria provided. Collection method: research. Allele origin: germline. Affected: no. Observed: 1 variant allele. Study: ClinSeq. Not counted in ClinVar's aggregate classification.
ClinVar note: Converted during submission from probably not pathogenic to Likely benign.

Clinical Genetics DNA and cytogenetics Diagnostics Lab, Erasmus MC, Erasmus Medical Center
Classification: Benign. Review status: no assertion criteria provided. Collection method: clinical testing. Allele origin: germline. Affected: yes. Study: VKGL Data-share Consensus. Not counted in ClinVar's aggregate classification.

Clinical Genetics, Academic Medical Center
Classification: Likely benign. Review status: no assertion criteria provided. Collection method: clinical testing. Allele origin: germline. Affected: yes. Study: VKGL Data-share Consensus. Not counted in ClinVar's aggregate classification.

Diagnostic Laboratory, Department of Genetics, University Medical Center Groningen
Classification: Likely benign. Review status: no assertion criteria provided. Collection method: clinical testing. Allele origin: germline. Affected: yes. Study: VKGL Data-share Consensus. Not counted in ClinVar's aggregate classification.

Genome Diagnostics Laboratory, Amsterdam University Medical Center
Classification: Likely benign. Review status: no assertion criteria provided. Collection method: clinical testing. Allele origin: germline. Affected: yes. Study: VKGL Data-share Consensus. Not counted in ClinVar's aggregate classification.

Laboratory of Diagnostic Genome Analysis, Leiden University Medical Center (LUMC)
Classification: Likely benign. Review status: no assertion criteria provided. Collection method: clinical testing. Allele origin: germline. Affected: yes. Study: VKGL Data-share Consensus. Not counted in ClinVar's aggregate classification.

Tuberous sclerosis database (TSC2)
No classification provided. Condition: TSC. Review status: no classification provided. Criteria: Tuberous Sclerosis Database Assertion Criteria 2015. Collection method: curation. Allele origin: germline. Affected: yes. Not counted in ClinVar's aggregate classification.

Genomic Diagnostic Laboratory, Division of Genomic Diagnostics, Children's Hospital of Philadelphia
Classification: Uncertain significance for Tuberous sclerosis 2. Last evaluated: 2015-10-30. Review status: flagged submission. Criteria: DGD Variant Analysis Guidelines. Collection method: clinical testing. Allele origin: unknown. Not counted in ClinVar's aggregate classification.
ClinVar note: Reason: Outlier claim with insufficient supporting evidence

Department of Genetics, Reproduction and Fetal Medicine., Institute of Biomedicine of Seville (IBIS), University Hospital Virgen del Rocío/CSIC/University of Seville.
Classification: Uncertain significance for Hirschsprung disease 1. Last evaluated: 2015-04-01. Review status: flagged submission. Collection method: research. Allele origin: germline. Affected: yes. Not counted in ClinVar's aggregate classification.
ClinVar note: Reason: Older claim that does not account for recent evidence

Literature cited by the submitters: PubMed 24728327 (cited by Department of Pathology and Laboratory Medicine, Sinai Health System and ITMI).